The following is an entry in ClinVar:

ClinVar aggregate classification (germline): Conflicting classifications of pathogenicity. Review status: criteria provided, conflicting classifications (1 of 4 stars). 3 submissions from 3 submitters: Uncertain significance (2); Likely benign (1). Last evaluated 2025-05-29.

Conditions:
Sessile serrated polyposis cancer syndrome (SSPCS). Identifiers: Orphanet 157798, MedGen C4310714, MONDO:0014919, OMIM 617108.

Allele frequency attached by ClinVar (database versions not stated): gnomAD exomes below 0.00001; TOPMed below 0.00001.
gnomAD v4.1: 3 of 1,614,180 alleles (0.00019%); highest among the groups gnomAD compares: Non-Finnish European, 0.00025%; no homozygotes.

Submissions (3):

Ambry Genetics
Classification: Likely benign. Last evaluated: 2025-05-29. Review status: criteria provided, single submitter. Criteria: Ambry Variant Classification Scheme 2023. Collection method: clinical testing. Allele origin: germline.

Baylor Genetics
Classification: Uncertain significance for Sessile serrated polyposis cancer syndrome. Last evaluated: 2023-11-14. Review status: criteria provided, single submitter. Criteria: ACMG Guidelines, 2015. Collection method: clinical testing. Allele origin: unknown.

Labcorp Genetics (formerly Invitae), Labcorp
Classification: Uncertain significance. Last evaluated: 2023-10-05. Review status: criteria provided, single submitter. Criteria: Invitae Variant Classification Sherloc (09022015). Collection method: clinical testing. Allele origin: germline.
Comment: This sequence change replaces serine, which is neutral and polar, with threonine, which is neutral and polar, at codon 41 of the RNF43 protein (p.Ser41Thr). This variant is present in population databases (no rsID available, gnomAD 0.002%). This variant has not been reported in the literature in individuals affected with RNF43-related conditions. An algorithm developed to predict the effect of missense changes on protein structure and function (PolyPhen-2) suggests that this variant is likely to be tolerated. In summary, the available evidence is currently insufficient to determine the role of this variant in disease. Therefore, it has been classified as a Variant of Uncertain Significance.

NM_017763.6(RNF43):c.121T>A (p.Ser41Thr)

Gene: RNF43 (ring finger protein 43; minus strand). Cytogenetic location: 17q22.
Variant type: single nucleotide variant.
Coding change: c.121T>A on transcript NM_017763.6 (MANE Select); coding-DNA position 121, T replaced by A.
Protein change: p.Ser41Thr; replaces serine 41 with threonine.
Molecular consequence: missense variant.
Genome position (GRCh38, 1-based): chr17:58,415,457, A>T on the plus strand (T>A on the coding strand, the complement: RNF43 is on the minus strand). VCF-style: chr17-58415457-A-T. GRCh37 (hg19) VCF-style: chr17-56492818-A-T.
Other names: c.121T>A (NM_017763.4); c.121T>A, p.Ser41Thr (NM_001305544.3); short protein forms S41T.
Identifiers: ClinVar variation 2902978 (VCV002902978.5), dbSNP rs911308708, ClinGen allele CA292037961.